The following is an entry in ClinVar:

NM_000258.3(MYL3):c.65C>T (p.Ala22Val)

Gene: MYL3 (myosin light chain 3; minus strand). Cytogenetic location: 3p21.31.
Variant type: single nucleotide variant.
Coding change: c.65C>T on transcript NM_000258.3 (MANE Select); coding-DNA position 65, C replaced by T.
Protein change: p.Ala22Val; replaces alanine 22 with valine.
Molecular consequence: missense variant.
Genome position (GRCh38, 1-based): chr3:46,863,326, G>A on the plus strand (C>T on the coding strand, the complement: MYL3 is on the minus strand). VCF-style: chr3-46863326-G-A. GRCh37 (hg19) VCF-style: chr3-46904816-G-A.
Other names: short protein forms A22V.
Identifiers: ClinVar variation 1332004 (VCV001332004.6), dbSNP rs2106914529, ClinGen allele CA352499709.

ClinVar aggregate classification (germline): Uncertain significance. Review status: criteria provided, multiple submitters, no conflicts (2 of 4 stars). 3 submissions from 3 submitters: Uncertain significance (3). Last evaluated 2024-11-04.

Conditions:
Cardiomyopathy (CMYO). Also called: Cardiomyopathies. Identifiers: Orphanet 167848, MedGen C0878544, MONDO:0004994, HP:0001638. Inheritance: Various modes of inheritance.
Cardiovascular phenotype. Identifiers: MedGen CN230736.
Hypertrophic cardiomyopathy. Also called: HYPERTROPHIC MYOCARDIOPATHY. Identifiers: Orphanet 217569, MedGen C0007194, MeSH D002312, MONDO:0005045, HP:0001639.

Submissions (3):

Ambry Genetics
Classification: Uncertain significance for Cardiovascular phenotype. Last evaluated: 2024-11-04. Review status: criteria provided, single submitter. Criteria: Ambry Variant Classification Scheme 2023. Collection method: clinical testing. Allele origin: germline.
Comment: The p.A22V variant (also known as c.65C>T), located in coding exon 1 of the MYL3 gene, results from a C to T substitution at nucleotide position 65. The alanine at codon 22 is replaced by valine, an amino acid with similar properties. This variant has been reported in hypertrophic and dilated cardiomyopathy cohorts, but clinical details were limited (Broch K et al. Open Heart, 2015 Oct;2:e000271; Harper AR et al. Nat Genet, 2021 Feb;53:135-142). This amino acid position is well conserved in available vertebrate species. In addition, this alteration is predicted to be tolerated by in silico analysis. Based on the available evidence, the clinical significance of this variant remains unclear.

All of Us Research Program, National Institutes of Health
Classification: Uncertain significance for Hypertrophic cardiomyopathy. Last evaluated: 2024-02-05. Review status: criteria provided, single submitter. Criteria: ACMG Guidelines, 2015. Collection method: clinical testing. Allele origin: germline. Inheritance: Autosomal dominant inheritance. Observed: 2 variant alleles, 2 heterozygotes.
Comment: This missense variant replaces alanine with valine at codon 22 of the MYL3 protein. Computational prediction tools indicate that this variant has a neutral impact on protein structure and function. To our knowledge, functional studies have not been reported for this variant. This variant has been reported in one individual affected with hypertrophic cardiomyopathy (PMID: 33495597) and in one individual affected with idiopathic dilated cardiomyopathy (PMID: 26468400). This variant has not been identified in the general population by the Genome Aggregation Database (gnomAD). The available evidence is insufficient to determine the role of this variant in disease conclusively. Therefore, this variant is classified as a Variant of Uncertain Significance.

This study involves interpretation of variants in research participants for the purpose of population health screening. Participant phenotype was not available at the time of variant classification. Additional details can be found in publication PMID: 35346344, PMCID: PMC8962531

Color Diagnostics, LLC DBA Color Health
Classification: Uncertain significance for Cardiomyopathy. Last evaluated: 2023-11-28. Review status: criteria provided, single submitter. Criteria: ACMG Guidelines, 2015. Collection method: clinical testing. Allele origin: germline.
Comment: This missense variant replaces alanine with valine at codon 22 of the MYL3 protein. Computational prediction tools indicate that this variant has a neutral impact on protein structure and function. To our knowledge, functional studies have not been reported for this variant. This variant has been reported in one individual affected with hypertrophic cardiomyopathy (PMID: 33495597) and in one individual affected with idiopathic dilated cardiomyopathy (PMID: 26468400). This variant has not been identified in the general population by the Genome Aggregation Database (gnomAD). The available evidence is insufficient to determine the role of this variant in disease conclusively. Therefore, this variant is classified as a Variant of Uncertain Significance.

Literature cited by the submitters: PubMed 26468400 (cited by 3 submitters); PubMed 33495597 (cited by 3 submitters).